The following is an entry in ClinVar:

ClinVar aggregate classification (germline): Uncertain significance (1 of 4 stars; one submission).

Conditions:
HPRT1-related disorder. Also called: HPRT1-related condition; HPRT1-related disorders.

Submission:

PreventionGenetics, part of Exact Sciences
Classification: Uncertain significance for HPRT1-related condition. Last evaluated: 2023-02-02. Review status: criteria provided, single submitter. Criteria: ACMG Guidelines, 2015. Collection method: clinical testing. Allele origin: germline.
Comment: The HPRT1 c.533-5T>G variant is predicted to interfere with splicing. To our knowledge, this variant has not been reported in the literature or in a large population database, indicating this variant is rare. At this time, the clinical significance of this variant is uncertain due to the absence of conclusive functional and genetic evidence.

NM_000194.3(HPRT1):c.533-5T>G

Gene: HPRT1 (hypoxanthine phosphoribosyltransferase 1; plus strand). Cytogenetic location: Xq26.2.
Variant type: single nucleotide variant.
Coding change: c.533-5T>G on transcript NM_000194.3 (MANE Select); 5 bases into the intron before coding-DNA position 533, T replaced by G.
Molecular consequence: intron variant.
Genome position (GRCh38, 1-based): chrX:134,498,603, T>G. VCF-style: chrX-134498603-T-G. GRCh37 (hg19) VCF-style: chrX-133632633-T-G.
Identifiers: ClinVar variation 2630587 (VCV002630587.1), dbSNP rs2520840403, ClinGen allele CA2695197141.